The following is an entry in ClinVar:

NM_024596.5(MCPH1):c.646A>G (p.Ile216Val)

Gene: MCPH1 (microcephalin 1; plus strand). Cytogenetic location: 8p23.1.
Variant type: single nucleotide variant.
Coding change: c.646A>G on transcript NM_024596.5 (MANE Select); coding-DNA position 646, A replaced by G.
Protein change: p.Ile216Val; replaces isoleucine 216 with valine.
Molecular consequence: missense variant. On other transcripts: non-coding transcript variant (1).
Genome position (GRCh38, 1-based): chr8:6,442,132, A>G. VCF-style: chr8-6442132-A-G. GRCh37 (hg19) VCF-style: chr8-6299653-A-G.
Other names: c.646A>G, p.Ile216Val (NM_001172574.2, NM_001322042.2, NM_001363979.1 and 1 more transcripts); c.502A>G, p.Ile168Val (NM_001172575.2); c.640A>G, p.Ile214Val (NM_001322043.2); c.544A>G, p.Ile182Val (NM_001322045.2); short protein forms I182V, I216V, I168V, I214V.
Identifiers: ClinVar variation 1345942 (VCV001345942.3), dbSNP rs983967995, ClinGen allele CA171401528.

ClinVar aggregate classification (germline): Uncertain significance (1 of 4 stars; one submission).

Allele frequency attached by ClinVar (database versions not stated): gnomAD exomes below 0.00001; gnomAD 0.00001; TOPMed 0.00002.
gnomAD v4.1: 6 of 1,610,780 alleles (0.00037%); highest among the groups gnomAD compares: Admixed American, 0.005%; no homozygotes.

Submission:

Labcorp Genetics (formerly Invitae), Labcorp
Classification: Uncertain significance. Last evaluated: 2022-07-26. Review status: criteria provided, single submitter. Criteria: Invitae Variant Classification Sherloc (09022015). Collection method: clinical testing. Allele origin: germline.
Comment: This sequence change replaces isoleucine with valine at codon 216 of the MCPH1 protein (p.Ile216Val). The isoleucine residue is weakly conserved and there is a small physicochemical difference between isoleucine and valine. This variant is not present in population databases (gnomAD no frequency). This variant has not been reported in the literature in individuals affected with MCPH1-related conditions. ClinVar contains an entry for this variant (Variation ID: 1345942). Algorithms developed to predict the effect of missense changes on protein structure and function output the following: SIFT: "Not Available"; PolyPhen-2: "Benign"; Align-GVGD: "Not Available". The valine amino acid residue is found in multiple mammalian species, which suggests that this missense change does not adversely affect protein function. In summary, the available evidence is currently insufficient to determine the role of this variant in disease. Therefore, it has been classified as a Variant of Uncertain Significance.